The following is an entry in ClinVar:

NM_002637.4(PHKA1):c.3297+2T>A

Gene: PHKA1 (phosphorylase kinase regulatory subunit alpha 1; minus strand). Cytogenetic location: Xq13.1.
Variant type: single nucleotide variant.
Coding change: c.3297+2T>A on transcript NM_002637.4 (MANE Select); the canonical splice donor site of the intron after coding-DNA position 3297, T replaced by A.
Molecular consequence: splice donor variant.
Genome position (GRCh38, 1-based): chrX:72,584,247, A>T on the plus strand (T>A on the coding strand, the complement: PHKA1 is on the minus strand). VCF-style: chrX-72584247-A-T. GRCh37 (hg19) VCF-style: chrX-71804097-A-T.
Other names: NC_000023.10:g.71804097A>T; c.3081+2T>A (NM_001440788.1, NM_001172436.2); c.3258+2T>A (NM_001440787.1, NM_001122670.2); c.3348+2T>A (NM_001431068.1).
Identifiers: ClinVar variation 4497722 (VCV004497722.2).

ClinVar aggregate classification (germline): Likely pathogenic (1 of 4 stars; one submission).

Conditions:
Glycogen storage disease. Also called: glycogen storage disorder; Disorder of glycogen metabolism. Identifiers: Orphanet 79201, MedGen C0017919, MONDO:0002412.

Submissions (3):

Genetics Laboratory, Great Ormond Street Hospital NHS Foundation Trust, North Thames Genomic Laboratory Hub
Classification: Likely pathogenic for Glycogen storage disease. Last evaluated: 2025-11-25. Review status: criteria provided, single submitter. Criteria: ACGS Best Practice Guidelines for Variant Classification in Rare Disease 2024 v1.2. Collection method: clinical testing. Allele origin: germline. Affected: yes.
Comment: PM2_moderate, PVS1_moderate, PP4_moderate

Dr. Peter K. Rogan Lab, Western University
No classification provided (evidence only). Condition: Nonpapillary renal cell carcinoma. Review status: no classification provided. Collection method: in vitro. Allele origin: not applicable. Functional consequence: retained intron. Not counted in ClinVar's aggregate classification.

Dr. Peter K. Rogan Lab, Western University
No classification provided (evidence only). Condition: Nonpapillary renal cell carcinoma. Review status: no classification provided. Collection method: in vitro. Allele origin: not applicable. Functional consequence: retained intron. Not counted in ClinVar's aggregate classification.